The following is an entry in ClinVar:

ClinVar aggregate classification (germline): Uncertain significance. Review status: criteria provided, multiple submitters, no conflicts (2 of 4 stars). 2 submissions from 2 submitters: Uncertain significance (2). Last evaluated 2024-07-10.

Allele frequency attached by ClinVar (database versions not stated): gnomAD 0.00001; gnomAD exomes 0.00001 and 0.00002; ExAC 0.00002; TOPMed 0.00002.
gnomAD v4.1: 9 of 1,614,034 alleles (0.00056%); highest among the groups gnomAD compares: Admixed American, 0.015%; no homozygotes.

Submissions (2):

Women's Health and Genetics/Laboratory Corporation of America, LabCorp
Classification: Uncertain significance. Last evaluated: 2024-07-10. Review status: criteria provided, single submitter. Criteria: LabCorp Variant Classification Summary - May 2015. Collection method: clinical testing. Allele origin: germline.

Labcorp Genetics (formerly Invitae), Labcorp
Classification: Uncertain significance. Last evaluated: 2021-11-14. Review status: criteria provided, single submitter. Criteria: Invitae Variant Classification Sherloc (09022015). Collection method: clinical testing. Allele origin: germline.
Comment: This sequence change replaces valine, which is neutral and non-polar, with alanine, which is neutral and non-polar, at codon 163 of the SLC26A4 protein (p.Val163Ala). This variant is present in population databases (rs779009430, gnomAD 0.01%). This variant has not been reported in the literature in individuals affected with SLC26A4-related conditions. Advanced modeling of protein sequence and biophysical properties (such as structural, functional, and spatial information, amino acid conservation, physicochemical variation, residue mobility, and thermodynamic stability) performed at Invitae indicates that this missense variant is not expected to disrupt SLC26A4 protein function. In summary, the available evidence is currently insufficient to determine the role of this variant in disease. Therefore, it has been classified as a Variant of Uncertain Significance.

NM_000441.2(SLC26A4):c.488T>C (p.Val163Ala)

Gene: SLC26A4 (solute carrier family 26 member 4; plus strand). Cytogenetic location: 7q22.3.
Variant type: single nucleotide variant.
Coding change: c.488T>C on transcript NM_000441.2 (MANE Select); coding-DNA position 488, T replaced by C.
Protein change: p.Val163Ala; replaces valine 163 with alanine.
Molecular consequence: missense variant.
Genome position (GRCh38, 1-based): chr7:107,674,236, T>C. VCF-style: chr7-107674236-T-C. GRCh37 (hg19) VCF-style: chr7-107314681-T-C.
Other names: short protein forms V163A.
Identifiers: ClinVar variation 1380619 (VCV001380619.4), dbSNP rs779009430, ClinGen allele CA4432495.
Genomic context (GRCh38, chr7:107,674,236, plus strand): 5'-TGGTGAGTTTAATGGTGGGATCTGTTGTTCTGAGCATGGCCCCCGACGAACACTTTCTCG[T>C]ATCCAGCAGCAATGGAACTGTATTAAATACTACTATGATAGACACTGCAGCTAGAGATAC-3'
Protein context (NP_000432.1, residues 153-173): LSMAPDEHFL[Val163Ala]SSSNGTVLNT